The following is an entry in ClinVar:

NM_004055.5(CAPN5):c.318G>C (p.Glu106Asp)

Gene: CAPN5 (calpain 5; plus strand). Cytogenetic location: 11q13.5.
Variant type: single nucleotide variant.
Coding change: c.318G>C on transcript NM_004055.5 (MANE Select); coding-DNA position 318, G replaced by C.
Protein change: p.Glu106Asp; replaces glutamic acid 106 with aspartic acid.
Molecular consequence: missense variant.
Genome position (GRCh38, 1-based): chr11:77,112,609, G>C. VCF-style: chr11-77112609-G-C. GRCh37 (hg19) VCF-style: chr11-76823655-G-C.
Other names: c.438G>C, p.Glu146Asp (NM_001425321.1); c.318G>C, p.Glu106Asp (NM_001425322.1); c.186G>C, p.Glu62Asp (NM_001425323.1); short protein forms E106D, E146D, E62D.
Identifiers: ClinVar variation 2966004 (VCV002966004.4), dbSNP rs1555040927, ClinGen allele CA381936752.

ClinVar aggregate classification (germline): Uncertain significance. Review status: criteria provided, multiple submitters, no conflicts (2 of 4 stars). 2 submissions from 2 submitters: Uncertain significance (2). Last evaluated 2023-10-05.

Allele frequency attached by ClinVar (database versions not stated): gnomAD exomes below 0.00001.
gnomAD v4.1: 1 of 1,613,894 alleles (0.000062%); highest among the groups gnomAD compares: Admixed American, 0.0017%; no homozygotes.

Submissions (2):

Labcorp Genetics (formerly Invitae), Labcorp
Classification: Uncertain significance. Last evaluated: 2023-10-05. Review status: criteria provided, single submitter. Criteria: Invitae Variant Classification Sherloc (09022015). Collection method: clinical testing. Allele origin: germline.
Comment: This sequence change replaces glutamic acid, which is acidic and polar, with aspartic acid, which is acidic and polar, at codon 106 of the CAPN5 protein (p.Glu106Asp). This variant is present in population databases (no rsID available, gnomAD 0.003%). This variant has not been reported in the literature in individuals affected with CAPN5-related conditions. Advanced modeling of protein sequence and biophysical properties (such as structural, functional, and spatial information, amino acid conservation, physicochemical variation, residue mobility, and thermodynamic stability) performed at Invitae indicates that this missense variant is not expected to disrupt CAPN5 protein function. In summary, the available evidence is currently insufficient to determine the role of this variant in disease. Therefore, it has been classified as a Variant of Uncertain Significance.

Blueprint Genetics
Classification: Uncertain significance. Last evaluated: 2022-04-22. Review status: criteria provided, single submitter. Criteria: ACMG Guidelines, 2015. Collection method: clinical testing. Allele origin: germline.